The following continues an entry in ClinVar:

NM_000372.5(TYR):c.1037-7T>A

Gene: TYR. ClinVar aggregate classification (germline): Pathogenic/Likely pathogenic. Pathogenic (34); Likely pathogenic (6).

Submissions 29 to 46 of 46:

Laboratory of Medical Genetics, National & Kapodistrian University of Athens
Classification: Pathogenic for Oculocutaneous albinism type 1B. Last evaluated: 2018-05-10. Review status: criteria provided, single submitter. Criteria: ACMG Guidelines, 2015. Collection method: clinical testing. Allele origin: germline. Affected: yes.
Comment: PS3,PS4,PM1

Eurofins Ntd Llc (ga)
Classification: Pathogenic. Last evaluated: 2018-04-30. Review status: criteria provided, single submitter. Criteria: EGL ClinVar v180209 classification definitions. Collection method: clinical testing. Allele origin: germline. Observed: 8 variant alleles, 8 heterozygotes.

Laboratory for Molecular Medicine, Mass General Brigham Personalized Medicine
Classification: Likely pathogenic for Oculocutaneous albinism. Last evaluated: 2018-02-07. Review status: criteria provided, single submitter. Criteria: LMM Criteria. Collection method: clinical testing. Allele origin: germline. Inheritance: Autosomal recessive inheritance. Observed: 2 variant alleles.
Comment: The c.1037-7T>A (NM_000372.4) variant in TYR has been reported in at least 9 hom ozygous and 16 compound heterozygous individuals with oculocutaneous albinism ty pe 1 (OCA1) and segregated in an affected family member (Hutton 2008a, Hutton 2 008b, Gronskov 2009, Gargiulo 2011, Shahzad 2017, Fabos 2017, and Gao 2017). It has been reported as likely pathogenic or pathogenic in ClinVar (Variation ID#99 527) by multiple laboratories. This variant has been identified in 0.04% (49/126 ,124) of European chromosomes by the Genome Aggregation Database (gnomAD; dbSNP rs61754381). This variant has also been identif ied in 1.5% (159/10108) of Ashkenazi chromosomes including 1 homozygote by the G enome Aggregation Database (gnomAD; dbSNP rs617 54381), which is consistent with some evidence suggesting it may be a founder mu tation in this population (Blumenfeld 2008, conference abstract). This variant is located in the 3' splice region. Computational tools suggest an impact to splicing. However, this information is not predictive enough to determine pathogenicity. In summary, al though additional studies are needed to fully establish its clinical significanc e, this variant is likely as pathogenic for OCA1 in an autosomal recessive manne r based upon multiple biallelic case observations and segregation in affected in dividuals. ACMG/AMP Criteria applied: PM3_VS, PS3_M.

Illumina Laboratory Services, Illumina
Classification: Pathogenic for Oculocutaneous albinism. Last evaluated: 2017-04-27. Review status: criteria provided, single submitter. Criteria: ICSL Variant Classification Criteria 09 May 2019. Collection method: clinical testing. Allele origin: germline.
Comment: The TYR c.1037-7T>A splice-region variant has been reported in a total of 17 patients with oculocutaneous albinism (OCA), including three homozygotes, eleven compound heterozygotes, and three heterozygotes from a total of 264 affected Caucasian individuals (Hutton et al. 2008; Hutton et al. 2008; Gronskov et al. 2009; Gargiulo et al. 2011). Amongst individuals of Asian ancestry, this variant has been observed in cis with another intronic variant, c.1037-10delTT. This double variant has been reported in at least 13 affected individuals, including 11 compound heterozygotes and two heterozygotes, from a total of 194 affected Asian individuals (Goto et al. 2004; Wei et al. 2010; Ko et al. 2012; Lin et al. 2014; Wang et al. 2015). The c.1037-7T>A variant was absent from over 300 total controls, but is reported at a frequency of 0.00434 in the admixed American population of the 1000 Genomes Project. Using an in vitro assay in A375 cells, Goto et al. (2004) demonstrated that the c.1037-7T>A/c.1037-10delTT double variant causes abnormal splicing. Based on the evidence, the c.1037-7T>A variant is classified as pathogenic for oculocutaneous albinism. This variant was observed by ICSL as part of a predisposition screen in an ostensibly healthy population.

Centre for Mendelian Genomics, University Medical Centre Ljubljana
Classification: Pathogenic for Albinism; Myopia; Nystagmus. Last evaluated: 2017-01-01. Review status: criteria provided, single submitter. Criteria: ACMG Guidelines, 2015. Collection method: clinical testing. Allele origin: unknown. Affected: yes.

Genetic Services Laboratory, University of Chicago
Classification: Pathogenic for Albinism, oculocutaneous, type IA. Last evaluated: 2015-02-26. Review status: criteria provided, single submitter. Criteria: ACMG Guidelines, 2015. Collection method: clinical testing. Allele origin: germline. Affected: yes.

Clinical Genetics Service, Universitary Hospital 12 de Octubre
Classification: Pathogenic for Oculocutaneous albinism type 1A. Review status: criteria provided, single submitter. Criteria: ACMG Guidelines, 2015. Collection method: clinical testing. Allele origin: germline. Affected: yes.

Hadassah Hebrew University Medical Center
Classification: Likely pathogenic for Oculocutaneous albinism type 1A; Oculocutaneous albinism type 1B. Review status: criteria provided, single submitter. Criteria: ACMG Guidelines, 2015. Collection method: research. Allele origin: germline. Affected: no. Observed: 2 variant alleles.

Juno Genomics, Hangzhou Juno Genomics, Inc
Classification: Pathogenic for Oculocutaneous albinism type 1A; Oculocutaneous albinism type 1B. Review status: criteria provided, single submitter. Criteria: ACMG Guidelines, 2015. Collection method: clinical testing. Allele origin: germline. Affected: yes.
Comment: Absent from controls (or at extremely low frequency if recessive) in Genome Aggregation Database, Exome Sequencing Project, 1000 Genomes Project, or Exome Aggregation Consortium.;Multiple lines of computational evidence support a deleterious effect on the gene or gene product (conservation, evolutionary, splicing impact, etc).;For recessive disorders, detected in trans with a pathogenic variant.;Patient's phenotype or family history is highly specific for a disease with a single genetic etiology.

Neuberg Centre For Genomic Medicine, NCGM
Classification: Likely pathogenic for Oculocutaneous albinism type 1A. Review status: criteria provided, single submitter. Criteria: ACMG Guidelines, 2015. Collection method: clinical testing. Allele origin: germline. Affected: yes.
Comment: The splice region variant c.1037-7T>A in TYR (NM_000372.5) has been reported to ClinVar as Pathogenic/Likely Pathogenic with a status of (2 stars) criteria provided, multiple submitters, no conflicts. The c.1037-7T>A in TYR (NM_000372.5) has an allele frequency of 0.015 in Ashkenazi Jewish subpopulation in the gnomAD database. The c.1037-7T>A variant in the TYR gene has been reported previously in both the compound heterozygous and apparently homozygous state in multiple individuals with oculocutaneous albinism type 1 (Hutton and Spritz, 2008; Ko et al., 2012; Wang et al, 2015). This variant is predicted to create a cryptic spice acceptor site and loss of the natural splice acceptor site in intron 2. An exon trapping system found that the c.1037-7T>A variant caused the insertion of 4 base pairs upstream of the common acceptor site for exon 3, resulting in a premature termination codon downstream from this variant (Goto et al., 2004).

Neuberg Centre For Genomic Medicine, NCGM
Classification: Pathogenic for Oculocutaneous albinism type 1B. Review status: criteria provided, single submitter. Criteria: ACMG Guidelines, 2015. Collection method: clinical testing. Allele origin: germline. Inheritance: Autosomal recessive inheritance. Affected: yes.
Comment: The TYR c.1037-7T>A splice-region variant has been previously reported in a total of 17 patients with oculocutaneous albinism ( Hutton et al, 2008). Using an in vitro assay in A375 cells, it was observed that the c.1037-7T>A/c.1037-10delTT double variant causes abnormal splicing ( Goto et al, 2004 ). The c.1037-7T>A variant is observed in 153/10,040 (1.5239%) alleles from individuals of Ashkenazi Jewish background in gnomAD Exomes. The nucleotide c.1037-7T>A in TYR is not conserved according to a GERP++ and PhyloP analysis of 100 vertebrates. For these reasons, this variant has been classified as Pathogenic.

Pele Pequeno Principe Research Institute, Faculdades Pequeno Principe
Classification: Pathogenic for Oculocutaneous albinism type 1B. Review status: criteria provided, single submitter. Criteria: ACMG Guidelines, 2015. Collection method: research. Allele origin: germline. Inheritance: Autosomal recessive inheritance. Affected: yes.

Reproductive Health Research and Development, BGI Genomics
Classification: Pathogenic for Albinism, oculocutaneous, type IA. Last evaluated: 2020-01-06. Review status: no assertion criteria provided. Collection method: curation. Allele origin: germline. Not counted in ClinVar's aggregate classification.
Comment: NG_008748.1(NM_000372.4):c.1037-7T>A in the TYR gene has an allele frequency of 0.015 in Ashkenazi Jewish subpopulation in the gnomAD database. The c.1037-7T>A variant in the TYR gene has been reported previously in both the compound heterozygous and apparently homozygous state in multiple individuals with oculocutaneous albinism type 1 (PMID: 15381243; 18463683; 22294196; 25919014). Using an in vitro assay in A375 cells, Goto et al. (2004) demonstrated that the c.1037-7T>A/c.1037-10delTT double variant causes abnormal splicing (PMID: 15381243). Taken together, we interprete this variant as Pathogenic/Likely pathogenic. ACMG/AMP Criteria applied: PM3_Strong; PS3; PP4.

University of Washington Center for Mendelian Genomics, University of Washington
Classification: Likely pathogenic for Nonsyndromic Oculocutaneous Albinism. Last evaluated: 2017-03-07. Review status: no assertion criteria provided. Collection method: research. Allele origin: unknown. Affected: yes. Observed: 4 homozygotes. Not counted in ClinVar's aggregate classification.

Clinical Genetics DNA and cytogenetics Diagnostics Lab, Erasmus MC, Erasmus Medical Center
Classification: Likely pathogenic. Review status: no assertion criteria provided. Collection method: clinical testing. Allele origin: germline. Affected: yes. Study: VKGL Data-share Consensus. Not counted in ClinVar's aggregate classification.

Clinical Genetics, Academic Medical Center
Classification: Pathogenic. Review status: no assertion criteria provided. Collection method: clinical testing. Allele origin: germline. Affected: yes. Study: VKGL Data-share Consensus. Not counted in ClinVar's aggregate classification.

Joint Genome Diagnostic Labs from Nijmegen and Maastricht, Radboudumc and MUMC+
Classification: Pathogenic. Review status: no assertion criteria provided. Collection method: clinical testing. Allele origin: germline. Affected: yes. Study: VKGL Data-share Consensus. Not counted in ClinVar's aggregate classification.

Retina International
No classification provided. Review status: no classification provided. Collection method: not provided. Allele origin: unknown. Not counted in ClinVar's aggregate classification.

Literature cited by the submitters: PubMed 35328057 (cited by Victorian Clinical Genetics Services, Murdoch Childrens Research Institute and Dasa); PubMed 41428507 (cited by Victorian Clinical Genetics Services, Murdoch Childrens Research Institute and Laboratory of Genetic Epidemiology, Research Centre for Medical Genetics); PubMed 39457547 (cited by Victorian Clinical Genetics Services, Murdoch Childrens Research Institute); PubMed 9163730 (cited by Labcorp Genetics (formerly Invitae), Labcorp and Laboratory for Molecular Medicine, Mass General Brigham Personalized Medicine); PubMed 13680365 (cited by 3 submitters); PubMed 18463683 (cited by 6 submitters); PubMed 19626598 (cited by Labcorp Genetics (formerly Invitae), Labcorp); PubMed 29345414 (cited by 3 submitters); PubMed 30868578 (cited by Dasa); PubMed 35729001 (cited by Dasa); PubMed 32411182 (cited by Dasa); PubMed 34838614 (cited by Ambry Genetics); PubMed 24721949 (cited by 3 submitters); PubMed 18326704 (cited by 5 submitters); PubMed 8217557 (cited by 3billion); PubMed 25919014 (cited by 4 submitters); PubMed 28629449 (cited by 3 submitters); PubMed 15381243 (cited by 4 submitters); PubMed 22294196 (cited by 3 submitters); PubMed 28266639 (cited by 3 submitters); PubMed 19060277 (cited by 3 submitters); PubMed 34008892 (cited by Laboratory of Medical Genetics, National & Kapodistrian University of Athens); PubMed 33223529 (cited by Hadassah Hebrew University Medical Center); PubMed 28451379 (cited by Eurofins Ntd Llc (ga) and Laboratory for Molecular Medicine, Mass General Brigham Personalized Medicine); PubMed 20861488 (cited by Laboratory for Molecular Medicine, Mass General Brigham Personalized Medicine and Illumina Laboratory Services, Illumina); PubMed 19865097 (cited by Illumina Laboratory Services, Illumina).